The following is an entry in ClinVar:

ClinVar aggregate classification (germline): Likely benign (1 of 4 stars; one submission).

Allele frequency attached by ClinVar (database versions not stated): 1000 Genomes Project 30x 0.01405; TOPMed 0.01821; gnomAD 0.01846; 1000 Genomes Project 0.01478.
gnomAD v4.1: 2,801 of 152,194 alleles (1.8%); highest among the groups gnomAD compares: Non-Finnish European, 2.7%; 35 homozygotes.

Submission:

GeneDx
Classification: Likely benign. Last evaluated: 2018-06-16. Review status: criteria provided, single submitter. Criteria: GeneDx Variant Classification (06012015). Collection method: clinical testing. Allele origin: germline. Affected: yes.
Comment: This variant is considered likely benign or benign based on one or more of the following criteria: it is a conservative change, it occurs at a poorly conserved position in the protein, it is predicted to be benign by multiple in silico algorithms, and/or has population frequency not consistent with disease.

NM_145691.4(ATPAF2):c.733-215G>A

Gene: ATPAF2 (ATP synthase mitochondrial F1 complex assembly factor 2; minus strand). Cytogenetic location: 17p11.2.
Variant type: single nucleotide variant.
Coding change: c.733-215G>A on transcript NM_145691.4 (MANE Select); 215 bases into the intron before coding-DNA position 733, G replaced by A.
Molecular consequence: intron variant.
Genome position (GRCh38, 1-based): chr17:18,018,901, C>T on the plus strand (G>A on the coding strand, the complement: ATPAF2 is on the minus strand). VCF-style: chr17-18018901-C-T. GRCh37 (hg19) VCF-style: chr17-17922215-C-T.
Identifiers: ClinVar variation 669692 (VCV000669692.1), dbSNP rs114743314, ClinGen allele CA14446474.